The following is an entry in ClinVar:

NM_024529.5(CDC73):c.1163C>T (p.Pro388Leu)

Gene: CDC73 (cell division cycle 73; plus strand). Cytogenetic location: 1q31.2.
Variant type: single nucleotide variant.
Coding change: c.1163C>T on transcript NM_024529.5 (MANE Select); coding-DNA position 1163, C replaced by T.
Protein change: p.Pro388Leu; replaces proline 388 with leucine.
Molecular consequence: missense variant.
Genome position (GRCh38, 1-based): chr1:193,233,001, C>T. VCF-style: chr1-193233001-C-T. GRCh37 (hg19) VCF-style: chr1-193202131-C-T.
Other names: c.1163C>T (NM_024529.4); short protein forms P388L.
Identifiers: ClinVar variation 1415323 (VCV001415323.12), dbSNP rs2102058240, ClinGen allele CA344077724.

ClinVar aggregate classification (germline): Uncertain significance. Review status: criteria provided, multiple submitters, no conflicts (2 of 4 stars). 3 submissions from 3 submitters: Uncertain significance (3). Last evaluated 2025-05-24.

Conditions:
Hereditary cancer-predisposing syndrome. Also called: Hereditary neoplastic syndrome; Neoplastic Syndromes, Hereditary; Hereditary Cancer Syndrome; Tumor predisposition. Identifiers: Orphanet 140162, MedGen C0027672, MeSH D009386, MONDO:0015356.
Parathyroid carcinoma (PRTC). Also called: Parathyroid gland carcinoma; CDC73-Related Parathyroid Carcinoma. Identifiers: Orphanet 143, MedGen C0687150, MONDO:0012004, OMIM 608266, HP:0006780.
Hyperparathyroidism 2 with jaw tumors. Also called: Hyperparathyroidism-Jaw Tumor Syndrome; HYPERPARATHYROIDISM, FAMILIAL PRIMARY, WITH MULTIPLE OSSIFYING JAW FIBROMAS; HYPERPARATHYROIDISM-JAW TUMOR SYNDROME, HEREDITARY; Hyperparathyroidism 2. Identifiers: Orphanet 99880, MedGen C1704981, MONDO:0007768, OMIM 145001.
Hyperparathyroidism 1 (HRPT1). Also called: HYPERPARATHYROIDISM, FAMILIAL ISOLATED PRIMARY. Identifiers: Orphanet 99879, MedGen C1840402, MONDO:0007767, OMIM 145000.

Submissions (3):

Ambry Genetics
Classification: Uncertain significance for Hereditary cancer-predisposing syndrome. Last evaluated: 2025-05-24. Review status: criteria provided, single submitter. Criteria: Ambry Variant Classification Scheme 2023. Collection method: clinical testing. Allele origin: germline.
Comment: The p.P388L variant (also known as c.1163C>T), located in coding exon 14 of the CDC73 gene, results from a C to T substitution at nucleotide position 1163. The proline at codon 388 is replaced by leucine, an amino acid with similar properties. This amino acid position is conserved. In addition, the in silico prediction for this alteration is inconclusive. Since supporting evidence is limited at this time, the clinical significance of this alteration remains unclear.

Fulgent Genetics
Classification: Uncertain significance for Hyperparathyroidism 1; Hyperparathyroidism 2 with jaw tumors; Parathyroid carcinoma. Last evaluated: 2024-06-20. Review status: criteria provided, single submitter. Criteria: ACMG Guidelines, 2015. Collection method: clinical testing. Allele origin: germline.

Labcorp Genetics (formerly Invitae), Labcorp
Classification: Uncertain significance for Parathyroid carcinoma. Last evaluated: 2022-09-09. Review status: criteria provided, single submitter. Criteria: Invitae Variant Classification Sherloc (09022015). Collection method: clinical testing. Allele origin: germline.
Comment: In summary, the available evidence is currently insufficient to determine the role of this variant in disease. Therefore, it has been classified as a Variant of Uncertain Significance. This sequence change replaces proline, which is neutral and non-polar, with leucine, which is neutral and non-polar, at codon 388 of the CDC73 protein (p.Pro388Leu). This variant is not present in population databases (gnomAD no frequency). This variant has not been reported in the literature in individuals affected with CDC73-related conditions. ClinVar contains an entry for this variant (Variation ID: 1415323). Advanced modeling of protein sequence and biophysical properties (such as structural, functional, and spatial information, amino acid conservation, physicochemical variation, residue mobility, and thermodynamic stability) performed at Invitae indicates that this missense variant is not expected to disrupt CDC73 protein function.